The following is an entry in ClinVar:

NM_001042492.3(NF1):c.3796G>T (p.Glu1266Ter)

Gene: NF1 (neurofibromin 1; plus strand). Cytogenetic location: 17q11.2.
Variant type: single nucleotide variant.
Coding change: c.3796G>T on transcript NM_001042492.3 (MANE Select); coding-DNA position 3796, G replaced by T.
Protein change: p.Glu1266Ter; replaces glutamic acid 1266 with a stop codon.
Molecular consequence: nonsense.
Genome position (GRCh38, 1-based): chr17:31,235,698, G>T. VCF-style: chr17-31235698-G-T. GRCh37 (hg19) VCF-style: chr17-29562716-G-T.
Other names: c.3796G>T, p.Glu1266Ter (NM_000267.4); short protein forms E1266*.
Identifiers: ClinVar variation 1455406 (VCV001455406.8), dbSNP rs876660667, ClinGen allele CA398992636.

ClinVar aggregate classification (germline): Pathogenic (1 of 4 stars; one submission).

Conditions:
Neurofibromatosis, type 1 (NF1). Also called: Neurofibromatosis, type I; VON RECKLINGHAUSEN DISEASE; NEUROFIBROMATOSIS, TYPE I, SOMATIC; Peripheral type neurofibromatosis. Identifiers: Orphanet 636, MedGen C0027831, MONDO:0018975, OMIM 162200. Disease mechanism: loss of function.

Submission:

Labcorp Genetics (formerly Invitae), Labcorp
Classification: Pathogenic for Neurofibromatosis, type 1. Last evaluated: 2024-02-03. Review status: criteria provided, single submitter. Criteria: Invitae Variant Classification Sherloc (09022015). Collection method: clinical testing. Allele origin: germline.
Comment: This sequence change creates a premature translational stop signal (p.Glu1266*) in the NF1 gene. It is expected to result in an absent or disrupted protein product. Loss-of-function variants in NF1 are known to be pathogenic (PMID: 10712197, 23913538). This variant is not present in population databases (gnomAD no frequency). This premature translational stop signal has been observed in individual(s) with clinical features of neurofibromatosis, type 1 (PMID: 30290804). ClinVar contains an entry for this variant (Variation ID: 1455406). For these reasons, this variant has been classified as Pathogenic.

Literature cited by the submitters: PubMed 10712197; PubMed 23913538; PubMed 30290804.